The following is an entry in ClinVar:

ClinVar aggregate classification (germline): Likely benign. Review status: criteria provided, single submitter (1 of 4 stars). 2 submissions from 2 submitters: Likely benign (1). 1 of the submissions does not count toward it. Last evaluated 2025-01-07.

Conditions:
IFNAR2-related disorder. Also called: IFNAR2-related condition.

Allele frequency attached by ClinVar (database versions not stated): gnomAD exomes 0.00002; ExAC 0.00005; gnomAD 0.00012 and 0.00016; ESP Exome Variant Server 0.00023.
gnomAD v4.1: 38 of 1,614,050 alleles (0.0024%); highest among the groups gnomAD compares: African/African-American, 0.044%; no homozygotes.

Submissions (2):

Labcorp Genetics (formerly Invitae), Labcorp
Classification: Likely benign. Last evaluated: 2025-01-07. Review status: criteria provided, single submitter. Criteria: Invitae Variant Classification Sherloc (09022015). Collection method: clinical testing. Allele origin: germline.

PreventionGenetics, part of Exact Sciences
Classification: Likely benign for IFNAR2-related condition. Last evaluated: 2019-09-11. Review status: no assertion criteria provided. Collection method: clinical testing. Allele origin: germline. Not counted in ClinVar's aggregate classification.
Comment: This variant is classified as likely benign based on ACMG/AMP sequence variant interpretation guidelines (Richards et al. 2015 PMID: 25741868, with internal and published modifications).

NM_001289125.3(IFNAR2):c.369A>G (p.Ser123=)

Genes: IFNAR2 (interferon alpha and beta receptor subunit 2; plus strand), IFNAR2-IL10RB (IFNAR2-IL10RB readthrough; plus strand). Cytogenetic location: 21q22.11.
Variant type: single nucleotide variant.
Coding change: c.369A>G on transcript NM_001289125.3 (MANE Select); coding-DNA position 369, A replaced by G.
Protein change: p.Ser123=; no amino-acid change (serine 123 retained).
Molecular consequence: synonymous variant.
Genome position (GRCh38, 1-based): chr21:33,246,865, A>G. VCF-style: chr21-33246865-A-G. GRCh37 (hg19) VCF-style: chr21-34619170-A-G.
Other names: c.369A>G, p.Ser123= (NM_000874.5, NM_001289126.2, NM_001289128.2 and 4 more transcripts); c.369A>G (NM_207585.2).
Identifiers: ClinVar variation 1453685 (VCV001453685.10), dbSNP rs139177032, ClinGen allele CA10005631.